The following is an entry in ClinVar:

NM_001131016.2(CIZ1):c.1415C>T (p.Ser472Leu)

Gene: CIZ1 (CDKN1A interacting zinc finger protein 1; minus strand). Cytogenetic location: 9q34.11.
Variant type: single nucleotide variant.
Coding change: c.1415C>T on transcript NM_001131016.2 (MANE Select); coding-DNA position 1415, C replaced by T.
Protein change: p.Ser472Leu; replaces serine 472 with leucine.
Molecular consequence: missense variant.
Genome position (GRCh38, 1-based): chr9:128,178,792, G>A on the plus strand (C>T on the coding strand, the complement: CIZ1 is on the minus strand). VCF-style: chr9-128178792-G-A. GRCh37 (hg19) VCF-style: chr9-130941071-G-A.
Other names: c.1247C>T, p.Ser416Leu (NM_001131015.2); c.1232C>T, p.Ser411Leu (NM_001131017.2); c.1175C>T, p.Ser392Leu (NM_001131018.2); c.1505C>T, p.Ser502Leu (NM_001257975.2); c.1112C>T, p.Ser371Leu (NM_001257976.2); c.1415C>T, p.Ser472Leu (NM_012127.3); short protein forms S371L, S416L, S472L, S411L, S392L, S502L.
Identifiers: ClinVar variation 645251 (VCV000645251.8), dbSNP rs770554662, ClinGen allele CA5257313.

ClinVar aggregate classification (germline): Uncertain significance (1 of 4 stars; one submission).

Conditions:
Dystonic disorder. Also called: Dystonia. Identifiers: MedGen C0013421, MONDO:0003441, HP:0001332.

Allele frequency attached by ClinVar (database versions not stated): gnomAD 0.00001; gnomAD exomes 0.00001; ExAC 0.00002; TOPMed 0.00002.
gnomAD v4.1: 14 of 1,614,148 alleles (0.00087%); highest among the groups gnomAD compares: East Asian, 0.0022%; no homozygotes.

Submission:

Labcorp Genetics (formerly Invitae), Labcorp
Classification: Uncertain significance for Dystonic disorder. Last evaluated: 2022-06-29. Review status: criteria provided, single submitter. Criteria: Invitae Variant Classification Sherloc (09022015). Collection method: clinical testing. Allele origin: germline.
Comment: This sequence change replaces serine, which is neutral and polar, with leucine, which is neutral and non-polar, at codon 472 of the CIZ1 protein (p.Ser472Leu). This variant is present in population databases (rs770554662, gnomAD 0.006%). This variant has not been reported in the literature in individuals affected with CIZ1-related conditions. ClinVar contains an entry for this variant (Variation ID: 645251). Algorithms developed to predict the effect of missense changes on protein structure and function output the following: SIFT: "Deleterious"; PolyPhen-2: "Benign"; Align-GVGD: "Class C0". The leucine amino acid residue is found in multiple mammalian species, which suggests that this missense change does not adversely affect protein function. In summary, the available evidence is currently insufficient to determine the role of this variant in disease. Therefore, it has been classified as a Variant of Uncertain Significance.